The following is an entry in ClinVar:

NM_022489.4(INF2):c.2050G>C (p.Glu684Gln)

Gene: INF2 (inverted formin 2; plus strand). Cytogenetic location: 14q32.33.
Variant type: single nucleotide variant.
Coding change: c.2050G>C on transcript NM_022489.4 (MANE Select); coding-DNA position 2050, G replaced by C.
Protein change: p.Glu684Gln; replaces glutamic acid 684 with glutamine.
Molecular consequence: missense variant.
Genome position (GRCh38, 1-based): chr14:104,709,381, G>C. VCF-style: chr14-104709381-G-C. GRCh37 (hg19) VCF-style: chr14-105175718-G-C.
Other names: c.2050G>C, p.Glu684Gln (NM_001031714.4); short protein forms E684Q.
Identifiers: ClinVar variation 1785072 (VCV001785072.3), dbSNP rs770166116, ClinGen allele CA7372783.

ClinVar aggregate classification (germline): Uncertain significance. Review status: criteria provided, multiple submitters, no conflicts (2 of 4 stars). 2 submissions from 2 submitters: Uncertain significance (2). Last evaluated 2024-08-23.

Conditions:
Inborn genetic diseases. Identifiers: MedGen C0950123, MeSH D030342.

Allele frequency attached by ClinVar (database versions not stated): ExAC 0.00001.
gnomAD v4.1: 3 of 1,610,232 alleles (0.00019%); highest among the groups gnomAD compares: Non-Finnish European, 0.00025%; no homozygotes.

Submissions (2):

Blueprint Genetics
Classification: Uncertain significance. Last evaluated: 2024-08-23. Review status: criteria provided, single submitter. Criteria: ACMG Guidelines, 2015. Collection method: clinical testing. Allele origin: germline.

Ambry Genetics
Classification: Uncertain significance for Inborn genetic diseases. Last evaluated: 2021-10-16. Review status: criteria provided, single submitter. Criteria: Ambry Variant Classification Scheme 2023. Collection method: clinical testing. Allele origin: germline.
Comment: The p.E684Q variant (also known as c.2050G>C), located in coding exon 10 of the INF2 gene, results from a G to C substitution at nucleotide position 2050. The glutamic acid at codon 684 is replaced by glutamine, an amino acid with highly similar properties. This amino acid position is conserved. In addition, the in silico prediction for this alteration is inconclusive. Since supporting evidence is limited at this time, the clinical significance of this alteration remains unclear.